The following is an entry in ClinVar:

ClinVar aggregate classification (germline): Likely benign. Review status: criteria provided, multiple submitters, no conflicts (2 of 4 stars). 2 submissions from 2 submitters: Likely benign (2). Last evaluated 2025-05-18.

Conditions:
BAP1-related tumor predisposition syndrome (TPDS1). Also called: Tumor susceptibility linked to germline BAP1 mutations; COMMON Syndrome; TUMOR PREDISPOSITION SYNDROME 1; BAP1 tumor predisposition syndrome. Identifiers: Orphanet 289539, MedGen C3280492, MONDO:0013692, OMIM 614327.

Submissions (2):

Labcorp Genetics (formerly Invitae), Labcorp
Classification: Likely benign for BAP1-related tumor predisposition syndrome. Last evaluated: 2025-05-18. Review status: criteria provided, single submitter. Criteria: Invitae Variant Classification Sherloc (09022015). Collection method: clinical testing. Allele origin: germline.

Myriad Genetics, Inc.
Classification: Likely benign for BAP1-related tumor predisposition syndrome. Last evaluated: 2024-07-15. Review status: criteria provided, single submitter. Criteria: Myriad Autosomal Dominant, Autosomal Recessive and X-Linked Classification Criteria (2023). Collection method: clinical testing. Allele origin: unknown.
Comment: This variant is considered likely benign. This variant is intronic and is not expected to impact mRNA splicing.

NM_004656.4(BAP1):c.1117-17C>T

Gene: BAP1 (BRCA1 associated deubiquitinase 1; minus strand). Cytogenetic location: 3p21.1.
Variant type: single nucleotide variant.
Coding change: c.1117-17C>T on transcript NM_004656.4 (MANE Select); 17 bases into the intron before coding-DNA position 1117, C replaced by T.
Molecular consequence: intron variant.
Genome position (GRCh38, 1-based): chr3:52,404,603, G>A on the plus strand (C>T on the coding strand, the complement: BAP1 is on the minus strand). VCF-style: chr3-52404603-G-A. GRCh37 (hg19) VCF-style: chr3-52438619-G-A.
Identifiers: ClinVar variation 1914776 (VCV001914776.6), dbSNP rs2153226897, ClinGen allele CA2580070255.